The following is an entry in ClinVar:

NM_001283009.2(RTEL1):c.1421C>T (p.Ser474Phe)

Genes: RTEL1 (regulator of telomere elongation helicase 1; plus strand), RTEL1-TNFRSF6B (RTEL1-TNFRSF6B readthrough (NMD candidate); plus strand). Cytogenetic location: 20q13.33.
Variant type: single nucleotide variant.
Coding change: c.1421C>T on transcript NM_001283009.2 (MANE Select); coding-DNA position 1421, C replaced by T.
Protein change: p.Ser474Phe; replaces serine 474 with phenylalanine.
Molecular consequence: missense variant. On other transcripts: non-coding transcript variant (1).
Genome position (GRCh38, 1-based): chr20:63,687,710, C>T. VCF-style: chr20-63687710-C-T. GRCh37 (hg19) VCF-style: chr20-62319063-C-T.
Other names: c.752C>T, p.Ser251Phe (NM_001283010.1); c.1421C>T, p.Ser474Phe (NM_016434.4); c.1493C>T, p.Ser498Phe (NM_032957.5); short protein forms S251F, S474F, S498F.
Identifiers: ClinVar variation 4157692 (VCV004157692.1).

ClinVar aggregate classification (germline): Uncertain significance (1 of 4 stars; one submission).

Conditions:
Inborn genetic diseases. Identifiers: MedGen C0950123, MeSH D030342.

Submission:

Ambry Genetics
Classification: Uncertain significance for Inborn genetic diseases. Last evaluated: 2025-08-23. Review status: criteria provided, single submitter. Criteria: Ambry Variant Classification Scheme 2023. Collection method: clinical testing. Allele origin: germline.
Comment: The p.S474F variant (also known as c.1421C>T), located in coding exon 16 of the RTEL1 gene, results from a C to T substitution at nucleotide position 1421. The serine at codon 474 is replaced by phenylalanine, an amino acid with highly dissimilar properties. This amino acid position is conserved. In addition, the in silico prediction for this alteration is inconclusive. Based on the available evidence, the clinical significance of this variant remains unclear.